The following is an entry in ClinVar:

ClinVar aggregate classification (germline): Uncertain significance (1 of 4 stars; one submission).

Conditions:
Gnathodiaphyseal dysplasia (GDD). Also called: GNATHODIAPHYSEAL SCLEROSIS; OSTEOGENESIS IMPERFECTA WITH UNUSUAL SKELETAL LESIONS. Identifiers: Orphanet 53697, MedGen C1833736, MONDO:0008151, OMIM 166260.
Autosomal recessive limb-girdle muscular dystrophy type 2L (LGMDR12). Also called: MUSCULAR DYSTROPHY, LIMB-GIRDLE, AUTOSOMAL RECESSIVE 12; Limb-girdle muscular dystrophy, type 2L; Limb-Girdle Muscular Dystrophy R12 Anoctamin-5-Related (LGMD-R12). Identifiers: Orphanet 206549, MedGen C1969785, MONDO:0012652, OMIM 611307.

Submission:

Labcorp Genetics (formerly Invitae), Labcorp
Classification: Uncertain significance for Autosomal recessive limb-girdle muscular dystrophy type 2L; Gnathodiaphyseal dysplasia. Last evaluated: 2023-11-10. Review status: criteria provided, single submitter. Criteria: Invitae Variant Classification Sherloc (09022015). Collection method: clinical testing. Allele origin: germline.
Comment: This sequence change replaces alanine, which is neutral and non-polar, with valine, which is neutral and non-polar, at codon 688 of the ANO5 protein (p.Ala688Val). This variant is not present in population databases (gnomAD no frequency). This variant has not been reported in the literature in individuals affected with ANO5-related conditions. Advanced modeling of protein sequence and biophysical properties (such as structural, functional, and spatial information, amino acid conservation, physicochemical variation, residue mobility, and thermodynamic stability) performed at Invitae indicates that this missense variant is expected to disrupt ANO5 protein function with a positive predictive value of 95%. In summary, the available evidence is currently insufficient to determine the role of this variant in disease. Therefore, it has been classified as a Variant of Uncertain Significance.

NM_213599.3(ANO5):c.2063C>T (p.Ala688Val)

Gene: ANO5 (anoctamin 5; plus strand). Cytogenetic location: 11p14.3.
Variant type: single nucleotide variant.
Coding change: c.2063C>T on transcript NM_213599.3 (MANE Select); coding-DNA position 2063, C replaced by T.
Protein change: p.Ala688Val; replaces alanine 688 with valine.
Molecular consequence: missense variant.
Genome position (GRCh38, 1-based): chr11:22,272,817, C>T. VCF-style: chr11-22272817-C-T. GRCh37 (hg19) VCF-style: chr11-22294363-C-T.
Other names: c.2060C>T, p.Ala687Val (NM_001142649.2); c.2021C>T, p.Ala674Val (NM_001410963.1); c.2018C>T, p.Ala673Val (NM_001410964.1); short protein forms A687V, A673V, A674V, A688V.
Identifiers: ClinVar variation 2953769 (VCV002953769.3), dbSNP rs2494376091, ClinGen allele CA379923655.